The following is an entry in ClinVar:

NM_005431.2(XRCC2):c.672A>C (p.Arg224Ser)

Gene: XRCC2 (X-ray repair cross complementing 2; minus strand). Cytogenetic location: 7q36.1.
Variant type: single nucleotide variant.
Coding change: c.672A>C on transcript NM_005431.2 (MANE Select); coding-DNA position 672, A replaced by C.
Protein change: p.Arg224Ser; replaces arginine 224 with serine.
Molecular consequence: missense variant.
Genome position (GRCh38, 1-based): chr7:152,648,813, T>G on the plus strand (A>C on the coding strand, the complement: XRCC2 is on the minus strand). VCF-style: chr7-152648813-T-G. GRCh37 (hg19) VCF-style: chr7-152345898-T-G.
Other names: short protein forms R224S.
Identifiers: ClinVar variation 1755109 (VCV001755109.2), dbSNP rs2485880603, ClinGen allele CA370198201.

ClinVar aggregate classification (germline): Uncertain significance (1 of 4 stars; one submission).

Conditions:
Hereditary cancer-predisposing syndrome. Also called: Neoplastic Syndromes, Hereditary; Tumor predisposition; Hereditary Cancer Syndrome; Hereditary neoplastic syndrome. Identifiers: Orphanet 140162, MedGen C0027672, MeSH D009386, MONDO:0015356.

Submission:

Ambry Genetics
Classification: Uncertain significance for Hereditary cancer-predisposing syndrome. Last evaluated: 2021-08-23. Review status: criteria provided, single submitter. Criteria: Ambry Variant Classification Scheme 2023. Collection method: clinical testing. Allele origin: germline.
Comment: The p.R224S variant (also known as c.672A>C), located in coding exon 3 of the XRCC2 gene, results from an A to C substitution at nucleotide position 672. The arginine at codon 224 is replaced by serine, an amino acid with dissimilar properties. This amino acid position is conserved. In addition, this alteration is predicted to be deleterious by in silico analysis. Since supporting evidence is limited at this time, the clinical significance of this alteration remains unclear.